The following is an entry in ClinVar:

NM_000548.5(TSC2):c.5257C>T (p.Arg1753Trp)

Gene: TSC2 (TSC complex subunit 2; plus strand). Cytogenetic location: 16p13.3.
Variant type: single nucleotide variant.
Coding change: c.5257C>T on transcript NM_000548.5 (MANE Select); coding-DNA position 5257, C replaced by T.
Protein change: p.Arg1753Trp; replaces arginine 1753 with tryptophan.
Molecular consequence: missense variant.
Genome position (GRCh38, 1-based): chr16:2,088,323, C>T. VCF-style: chr16-2088323-C-T. GRCh37 (hg19) VCF-style: chr16-2138324-C-T.
Other names: c.5056C>T, p.Arg1686Trp (NM_001077183.3); c.5188C>T, p.Arg1730Trp (NM_001114382.3); c.4948C>T, p.Arg1650Trp (NM_001318827.2); c.4912C>T, p.Arg1638Trp (NM_001318829.2); c.4525C>T, p.Arg1509Trp (NM_001318831.2); c.5089C>T, p.Arg1697Trp (NM_001318832.2); c.5059C>T, p.Arg1687Trp (NM_001363528.2); c.5125C>T, p.Arg1709Trp (NM_001370404.1); and 2 more; short protein forms R1753W, R1509W, R1638W, R1697W, R1730W, R1650W, R1686W, R1687W.
Identifiers: ClinVar variation 565761 (VCV000565761.16), dbSNP rs756358402, ClinGen allele CA054606.

ClinVar aggregate classification (germline): Conflicting classifications of pathogenicity. Review status: criteria provided, conflicting classifications (1 of 4 stars). 3 submissions from 3 submitters: Uncertain significance (2); Likely benign (1). Last evaluated 2025-11-14.

Conditions:
Tuberous sclerosis 2 (TSC2). Identifiers: Orphanet 805, MedGen C1860707, MONDO:0013199, OMIM 613254.
Hereditary cancer-predisposing syndrome. Also called: Neoplastic Syndromes, Hereditary; Tumor predisposition; Hereditary Cancer Syndrome; Hereditary neoplastic syndrome. Identifiers: Orphanet 140162, MedGen C0027672, MeSH D009386, MONDO:0015356.

gnomAD v4.1: 19 of 1,612,624 alleles (0.0012%); highest among the groups gnomAD compares: East Asian, 0.0022%; no homozygotes.

Submissions (3):

Labcorp Genetics (formerly Invitae), Labcorp
Classification: Likely benign for Tuberous sclerosis 2. Last evaluated: 2025-11-14. Review status: criteria provided, single submitter. Criteria: Invitae Variant Classification Sherloc (09022015). Collection method: clinical testing. Allele origin: germline.

Ambry Genetics
Classification: Uncertain significance for Hereditary cancer-predisposing syndrome. Last evaluated: 2025-01-24. Review status: criteria provided, single submitter. Criteria: Ambry Variant Classification Scheme 2023. Collection method: clinical testing. Allele origin: germline.
Comment: The p.R1753W variant (also known as c.5257C>T), located in coding exon 40 of the TSC2 gene, results from a C to T substitution at nucleotide position 5257. The arginine at codon 1753 is replaced by tryptophan, an amino acid with dissimilar properties. This amino acid position is highly conserved in available vertebrate species. In addition, this alteration is predicted to be deleterious by in silico analysis. Based on the available evidence, the clinical significance of this variant remains unclear.

GeneDx
Classification: Uncertain significance. Last evaluated: 2024-02-16. Review status: criteria provided, single submitter. Criteria: GeneDx Variant Classification Process June 2021. Collection method: clinical testing. Allele origin: germline. Affected: yes.
Comment: In silico analysis suggests this variant may impact gene splicing. In the absence of RNA/functional studies, the actual effect of this sequence change is unknown.; In silico analysis supports that this missense variant has a deleterious effect on protein structure/function; Has not been previously published as pathogenic or benign to our knowledge